The following is an entry in ClinVar:

NM_003737.4(DCHS1):c.3593A>G (p.His1198Arg)

Gene: DCHS1 (dachsous cadherin-related 1; minus strand). Cytogenetic location: 11p15.4.
Variant type: single nucleotide variant.
Coding change: c.3593A>G on transcript NM_003737.4 (MANE Select); coding-DNA position 3593, A replaced by G.
Protein change: p.His1198Arg; replaces histidine 1198 with arginine.
Molecular consequence: missense variant.
Genome position (GRCh38, 1-based): chr11:6,631,698, T>C on the plus strand (A>G on the coding strand, the complement: DCHS1 is on the minus strand). VCF-style: chr11-6631698-T-C. GRCh37 (hg19) VCF-style: chr11-6652929-T-C.
Other names: short protein forms H1198R.
Identifiers: ClinVar variation 1918409 (VCV001918409.5), dbSNP rs1158550093, ClinGen allele CA379411697.
Genomic context (GRCh38, chr11:6,631,698, plus strand): 5'-GCAGCTCCTGAAGCCTGCAGGAACGTGGGGCTGTTGTCGTTGAGGTCAAGCACTGCAACA[T>C]GCACAGTGCCTGTGGTGCTGCGGGGTGGGCTCCCTCCATCCTGCACCTGCACCAGGAGCT-3'
Protein context (NP_003728.1, residues 1188-1208): SPPRSTTGTV[His1198Arg]VAVLDLNDNS

ClinVar aggregate classification (germline): Uncertain significance (1 of 4 stars; one submission).

Allele frequency attached by ClinVar (database versions not stated): gnomAD exomes below 0.00001; TOPMed 0.00001.

Submission:

Labcorp Genetics (formerly Invitae), Labcorp
Classification: Uncertain significance. Last evaluated: 2022-11-23. Review status: criteria provided, single submitter. Criteria: Invitae Variant Classification Sherloc (09022015). Collection method: clinical testing. Allele origin: germline.
Comment: In summary, the available evidence is currently insufficient to determine the role of this variant in disease. Therefore, it has been classified as a Variant of Uncertain Significance. This sequence change replaces histidine, which is basic and polar, with arginine, which is basic and polar, at codon 1198 of the DCHS1 protein (p.His1198Arg). The frequency data for this variant in the population databases is considered unreliable, as metrics indicate poor data quality at this position in the gnomAD database. This variant has not been reported in the literature in individuals affected with DCHS1-related conditions. Advanced modeling of protein sequence and biophysical properties (such as structural, functional, and spatial information, amino acid conservation, physicochemical variation, residue mobility, and thermodynamic stability) performed at Invitae indicates that this missense variant is not expected to disrupt DCHS1 protein function.